The following is an entry in ClinVar:

NM_002271.6(IPO5):c.1716+40_1716+44dup

Gene: IPO5 (importin 5; plus strand). Cytogenetic location: 13q32.2.
Variant type: Duplication.
Coding change: c.1716+40_1716+44dup on transcript NM_002271.6 (MANE Select); bases 40 to 44 of the intron after coding-DNA position 1716, 5 bases duplicated (TTTTT; older notation c.1716+40_1716+44dupTTTTT).
Molecular consequence: intron variant.
Genome position (GRCh38, 1-based): chr13:98,006,388-98,006,392, TTTTT duplicated; duplicating any 5 consecutive bases within chr13:98,006,357-98,006,392 gives the same sequence; the c. name uses the placement nearest the transcript's 3' end. VCF-style (leftmost placement, unchanged base first): chr13-98006356-A-ATTTTT. GRCh37 (hg19) VCF-style: chr13-98658610-A-ATTTTT.
Identifiers: ClinVar variation 2643882 (VCV002643882.24), dbSNP rs568589408, ClinGen allele CA959293226.

ClinVar aggregate classification (germline): Likely benign (1 of 4 stars; one submission).

Submission:

CeGaT Center for Human Genetics Tuebingen
Classification: Likely benign. Last evaluated: 2023-01-01. Review status: criteria provided, single submitter. Criteria: CeGaT Center For Human Genetics Tuebingen Variant Classification Criteria Version 2. Collection method: clinical testing. Allele origin: germline. Affected: yes. Observed: 1 variant allele.
Comment: IPO5: BS2